The following is an entry in ClinVar:

ClinVar aggregate classification (germline): Pathogenic. Review status: criteria provided, multiple submitters, no conflicts (2 of 4 stars). 2 submissions from 2 submitters: Pathogenic (2). Last evaluated 2026-04-03.

Conditions:
Neurofibromatosis, type 1 (NF1). Also called: VON RECKLINGHAUSEN DISEASE; NEUROFIBROMATOSIS, TYPE I, SOMATIC; Peripheral type neurofibromatosis; Neurofibromatosis, type I. Identifiers: Orphanet 636, MedGen C0027831, MONDO:0018975, OMIM 162200. Disease mechanism: loss of function.
Hereditary cancer-predisposing syndrome. Also called: Hereditary Cancer Syndrome; Tumor predisposition; Hereditary neoplastic syndrome; Neoplastic Syndromes, Hereditary. Identifiers: Orphanet 140162, MedGen C0027672, MeSH D009386, MONDO:0015356.
Cardiovascular phenotype. Identifiers: MedGen CN230736.

Submissions (2):

Ambry Genetics
Classification: Pathogenic for Cardiovascular phenotype; Hereditary cancer-predisposing syndrome. Last evaluated: 2026-04-03. Review status: criteria provided, single submitter. Criteria: Ambry Variant Classification Scheme 2023. Collection method: clinical testing. Allele origin: germline.
Comment: The c.4166delT pathogenic mutation, located in coding exon 31 of the NF1 gene, results from a deletion of one nucleotide at nucleotide position 4166, causing a translational frameshift with a predicted alternate stop codon (p.F1389Sfs*18). This variant is considered to be rare based on population cohorts in the Genome Aggregation Database (gnomAD). This alteration is expected to result in loss of function by premature protein truncation or nonsense-mediated mRNA decay. As such, this alteration is interpreted as a disease-causing mutation.

Labcorp Genetics (formerly Invitae), Labcorp
Classification: Pathogenic for Neurofibromatosis, type 1. Last evaluated: 2017-07-24. Review status: criteria provided, single submitter. Criteria: Invitae Variant Classification Sherloc (09022015). Collection method: clinical testing. Allele origin: germline.
Comment: This sequence change creates a premature translational stop signal (p.Phe1389Serfs*18) in the NF1 gene. It is expected to result in an absent or disrupted protein product. This variant is not present in population databases (ExAC no frequency). This variant has not been reported in the literature in individuals with NF1-related disease. Loss-of-function variants in NF1 are known to be pathogenic (PMID: 10712197, 23913538). For these reasons, this variant has been classified as Pathogenic.

NM_001042492.3(NF1):c.4229del (p.Phe1410fs)

Gene: NF1 (neurofibromin 1; plus strand). Cytogenetic location: 17q11.2.
Variant type: Deletion.
Coding change: c.4229del on transcript NM_001042492.3 (MANE Select); coding-DNA position 4229, one base deleted (T; older notation c.4229delT).
Protein change: p.Phe1410fs; shifts the reading frame from phenylalanine 1410.
Molecular consequence: frameshift variant.
Genome position (GRCh38, 1-based): chr17:31,258,399, T deleted; the last of 2 consecutive T bases (chr17:31,258,398-31,258,399); deleting either gives the same sequence. VCF-style (leftmost placement, unchanged base first): chr17-31258397-GT-G. GRCh37 (hg19) VCF-style: chr17-29585415-GT-G.
Other names: c.4166delT (NM_000267.3); c.4166delT, p.Phe1389Serfs (NM_000267.4); short protein forms F1410fs, F1389fs.
Identifiers: ClinVar variation 457685 (VCV000457685.2), dbSNP rs1555618511, ClinGen allele CA658658571.
Genomic context (GRCh38, chr17:31,258,397, plus strand): 5'-TTTTTAGGTGGTTAGCCAGCGTTTCCCTCAGAACAGCATCGGTGCAGTAGGAAGTGCCAT[GT>G]TCCTCAGATTTATCAATCCTGCCATTGTCTCACCGTATGAAGCAGGGATTTTAGATAAAA-3'